The following is an entry in ClinVar:

NM_001267550.2(TTN):c.44937T>G (p.Ala14979=)

Genes: TTN (titin; minus strand), LOC126806427 (BRD4-independent group 4 enhancer GRCh37_chr2:179485777-179486976; plus strand). Cytogenetic location: 2q31.2.
Variant type: single nucleotide variant.
Coding change: c.44937T>G on transcript NM_001267550.2 (MANE Select); coding-DNA position 44937, T replaced by G.
Protein change: p.Ala14979=; no amino-acid change (alanine 14979 retained).
Molecular consequence: synonymous variant.
Genome position (GRCh38, 1-based): chr2:178,621,985, A>C on the plus strand (T>G on the coding strand, the complement: TTN is on the minus strand). VCF-style: chr2-178621985-A-C. GRCh37 (hg19) VCF-style: chr2-179486712-A-C.
Other names: c.40014T>G, p.Ala13338= (NM_001256850.1); c.17742T>G, p.Ala5914= (NM_003319.4); c.37233T>G, p.Ala12411= (NM_133378.4); c.18117T>G, p.Ala6039= (NM_133432.3); c.18318T>G, p.Ala6106= (NM_133437.4).
Identifiers: ClinVar variation 512268 (VCV000512268.39), dbSNP rs370413913, ClinGen allele CA1995530.

ClinVar aggregate classification (germline): Likely benign. Review status: criteria provided, multiple submitters, no conflicts (2 of 4 stars). 5 submissions from 5 submitters: Likely benign (5). Last evaluated 2026-08-01.

Conditions:
Cardiovascular phenotype. Identifiers: MedGen CN230736.
Autosomal recessive limb-girdle muscular dystrophy type 2J (LGMDR10). Also called: MUSCULAR DYSTROPHY, LIMB-GIRDLE, AUTOSOMAL RECESSIVE 10; Limb-girdle muscular dystrophy, type 2J. Identifiers: Orphanet 140922, MedGen C1837342, MONDO:0012127, OMIM 608807.
Dilated cardiomyopathy 1G (CMD1G). Identifiers: Orphanet 154, MedGen C1858763, MONDO:0011400, OMIM 604145.

Allele frequency attached by ClinVar (database versions not stated): ESP Exome Variant Server 0.00008; TOPMed 0.00022.
gnomAD v4.1: 47 of 1,609,370 alleles (0.0029%); highest among the groups gnomAD compares: Admixed American, 0.005%; no homozygotes.

Submissions (5):

CeGaT Center for Human Genetics Tuebingen
Classification: Likely benign. Last evaluated: 2026-08-01. Review status: criteria provided, single submitter. Criteria: CeGaT Center For Human Genetics Tuebingen Variant Classification Criteria Version 2. Collection method: clinical testing. Allele origin: germline. Affected: yes. Observed: 5 variant alleles.
Comment: TTN: BP4, BP7

Labcorp Genetics (formerly Invitae), Labcorp
Classification: Likely benign for Dilated cardiomyopathy 1G; Autosomal recessive limb-girdle muscular dystrophy type 2J. Last evaluated: 2026-02-03. Review status: criteria provided, single submitter. Criteria: Invitae Variant Classification Sherloc (09022015). Collection method: clinical testing. Allele origin: germline.

Blueprint Genetics
Classification: Likely benign. Last evaluated: 2023-11-15. Review status: criteria provided, single submitter. Criteria: ACMG Guidelines, 2015. Collection method: clinical testing. Allele origin: germline.

Ambry Genetics
Classification: Likely benign for Cardiovascular phenotype. Last evaluated: 2019-04-25. Review status: criteria provided, single submitter. Criteria: Ambry Variant Classification Scheme 2023. Collection method: clinical testing. Allele origin: germline.

GeneDx
Classification: Likely benign. Last evaluated: 2017-09-19. Review status: criteria provided, single submitter. Criteria: GeneDx Variant Classification (06012015). Collection method: clinical testing. Allele origin: germline. Affected: yes.
Comment: This variant is considered likely benign or benign based on one or more of the following criteria: it is a conservative change, it occurs at a poorly conserved position in the protein, it is predicted to be benign by multiple in silico algorithms, and/or has population frequency not consistent with disease.